The following is an entry in ClinVar:

NM_138694.4(PKHD1):c.221G>A (p.Ser74Asn)

Gene: PKHD1 (PKHD1 ciliary IPT domain containing fibrocystin/polyductin; minus strand). Cytogenetic location: 6p12.2.
Variant type: single nucleotide variant.
Coding change: c.221G>A on transcript NM_138694.4 (MANE Select); coding-DNA position 221, G replaced by A.
Protein change: p.Ser74Asn; replaces serine 74 with asparagine.
Molecular consequence: missense variant.
Genome position (GRCh38, 1-based): chr6:52,082,452, C>T on the plus strand (G>A on the coding strand, the complement: PKHD1 is on the minus strand). VCF-style: chr6-52082452-C-T. GRCh37 (hg19) VCF-style: chr6-51947250-C-T.
Other names: c.221G>A, p.Ser74Asn (NM_170724.3); short protein forms S74N.
Identifiers: ClinVar variation 3343893 (VCV003343893.4).

ClinVar aggregate classification (germline): Uncertain significance. Review status: criteria provided, multiple submitters, no conflicts (2 of 4 stars). 3 submissions from 3 submitters: Uncertain significance (3). Last evaluated 2026-02-12.

Conditions:
Inborn genetic diseases. Identifiers: MedGen C0950123, MeSH D030342.
PKHD1-related disorder. Also called: PKHD1-related condition.

gnomAD v4.1: 5 of 1,614,160 alleles (0.00031%); highest among the groups gnomAD compares: Admixed American, 0.0083%; no homozygotes.

Submissions (3):

PreventionGenetics, part of Exact Sciences
Classification: Uncertain significance for PKHD1-related condition. Last evaluated: 2026-02-12. Review status: criteria provided, single submitter. Criteria: ACMG Guidelines, 2015. Collection method: clinical testing. Allele origin: germline.
Comment: The PKHD1 c.221G>A variant is predicted to result in the amino acid substitution p.Ser74Asn. To our knowledge, this variant has not been reported in the literature. This variant is reported in 0.0058% of alleles in individuals of Latino descent in gnomAD. At this time, the clinical significance of this variant is uncertain due to the absence of conclusive functional and genetic evidence.

Ambry Genetics
Classification: Uncertain significance for Inborn genetic diseases. Last evaluated: 2025-06-06. Review status: criteria provided, single submitter. Criteria: Ambry Variant Classification Scheme 2023. Collection method: clinical testing. Allele origin: germline.

GeneDx
Classification: Uncertain significance. Last evaluated: 2025-04-25. Review status: criteria provided, single submitter. Criteria: GeneDx Variant Classification Process June 2021. Collection method: clinical testing. Allele origin: germline.
Comment: Not observed at significant frequency in large population cohorts (gnomAD); In silico analysis indicates that this missense variant does not alter protein structure/function; Has not been previously published as pathogenic or benign to our knowledge